The following is an entry in ClinVar:

NM_015338.6(ASXL1):c.499G>A (p.Val167Met)

Gene: ASXL1 (ASXL transcriptional regulator 1; plus strand). Cytogenetic location: 20q11.21.
Variant type: single nucleotide variant.
Coding change: c.499G>A on transcript NM_015338.6 (MANE Select); coding-DNA position 499, G replaced by A.
Protein change: p.Val167Met; replaces valine 167 with methionine.
Molecular consequence: missense variant.
Genome position (GRCh38, 1-based): chr20:32,429,365, G>A. VCF-style: chr20-32429365-G-A. GRCh37 (hg19) VCF-style: chr20-31017168-G-A.
Other names: c.469G>A, p.Val157Met (NM_001363734.1); short protein forms V157M, V167M.
Identifiers: ClinVar variation 3792524 (VCV003792524.1).
Genomic context (GRCh38, chr20:32,429,365, plus strand): 5'-TTGGGCTCTCTTTTGTTCTCTCTTGGAACGCAGGCGAACAAACAAAAGAAAAAGACTGGG[G>A]TGATGCTGCCTCGAGTTGTCCTGACTCCTCTGAAGGTAAACGGGGCCCACGTGGAATCTG-3'
Protein context (NP_056153.2, residues 157-177): QANKQKKKTG[Val167Met]MLPRVVLTPL

ClinVar aggregate classification (germline): Uncertain significance (1 of 4 stars; one submission).

Conditions:
Inborn genetic diseases. Identifiers: MedGen C0950123, MeSH D030342.

gnomAD v4.1: 2 of 1,614,190 alleles (0.00012%); highest among the groups gnomAD compares: Non-Finnish European, 0.00017%; no homozygotes.

Submission:

Ambry Genetics
Classification: Uncertain significance for Inborn genetic diseases. Last evaluated: 2025-01-20. Review status: criteria provided, single submitter. Criteria: Ambry Variant Classification Scheme 2023. Collection method: clinical testing. Allele origin: germline.
Comment: The p.V167M variant (also known as c.499G>A), located in coding exon 7 of the ASXL1 gene, results from a G to A substitution at nucleotide position 499. The valine at codon 167 is replaced by methionine, an amino acid with highly similar properties. This amino acid position is conserved. In addition, this alteration is predicted to be tolerated by in silico analysis. Based on the available evidence, the clinical significance of this variant remains unclear.